The following is an entry in ClinVar:

NM_002519.3(NPAT):c.503C>T (p.Ser168Leu)

Gene: NPAT (nuclear protein, coactivator of histone transcription; minus strand). Cytogenetic location: 11q22.3.
Variant type: single nucleotide variant.
Coding change: c.503C>T on transcript NM_002519.3 (MANE Select); coding-DNA position 503, C replaced by T.
Protein change: p.Ser168Leu; replaces serine 168 with leucine.
Molecular consequence: missense variant.
Genome position (GRCh38, 1-based): chr11:108,189,159, G>A on the plus strand (C>T on the coding strand, the complement: NPAT is on the minus strand). VCF-style: chr11-108189159-G-A. GRCh37 (hg19) VCF-style: chr11-108059886-G-A.
Other names: c.503C>T, p.Ser168Leu (NM_001321307.1); short protein forms S168L.
Identifiers: ClinVar variation 1744943 (VCV001744943.3), dbSNP rs368304945, ClinGen allele CA6264280.

ClinVar aggregate classification (germline): Conflicting classifications of pathogenicity. Review status: criteria provided, conflicting classifications (1 of 4 stars). 2 submissions from 2 submitters: Uncertain significance (1); Likely benign (1). Last evaluated 2026-01-18.

Allele frequency attached by ClinVar (database versions not stated): ExAC 0.00001; gnomAD 0.00001; gnomAD exomes 0.00001; TOPMed 0.00002; ESP Exome Variant Server 0.00008.

Submissions (2):

Labcorp Genetics (formerly Invitae), Labcorp
Classification: Uncertain significance. Last evaluated: 2026-01-18. Review status: criteria provided, single submitter. Criteria: Invitae Variant Classification Sherloc (09022015). Collection method: clinical testing. Allele origin: germline.
Comment: This sequence change replaces serine, which is neutral and polar, with leucine, which is neutral and non-polar, at codon 168 of the NPAT protein (p.Ser168Leu). This variant is present in population databases (rs368304945, gnomAD 0.003%). This variant has not been reported in the literature in individuals affected with NPAT-related conditions. ClinVar contains an entry for this variant (Variation ID: 1744943). An algorithm developed to predict the effect of missense changes on protein structure and function outputs the following: PolyPhen-2: "Benign". The leucine amino acid residue is found in multiple mammalian species, which suggests that this missense change does not adversely affect protein function. In summary, the available evidence is currently insufficient to determine the role of this variant in disease. Therefore, it has been classified as a Variant of Uncertain Significance.

Ambry Genetics
Classification: Likely benign. Last evaluated: 2022-02-10. Review status: criteria provided, single submitter. Criteria: Ambry Variant Classification Scheme 2023. Collection method: clinical testing. Allele origin: germline.